The following is an entry in ClinVar:

NM_000059.4(BRCA2):c.-60A>G

Genes: BRCA2 (BRCA2 DNA repair associated; plus strand), LOC106721785 (BRCA2 promoter/silencer region; plus strand). Cytogenetic location: 13q13.1.
Variant type: single nucleotide variant.
Coding change: c.-60A>G on transcript NM_000059.4 (MANE Select); 60 bases upstream of the start codon, A replaced by G.
Molecular consequence: 5 prime UTR variant.
Genome position (GRCh38, 1-based): chr13:32,315,647, A>G. VCF-style: chr13-32315647-A-G. GRCh37 (hg19) VCF-style: chr13-32889784-A-G.
Identifiers: ClinVar variation 387446 (VCV000387446.8), dbSNP rs1057522793, ClinGen allele CA16606404.

ClinVar aggregate classification (germline): Conflicting classifications of pathogenicity. Review status: criteria provided, conflicting classifications (1 of 4 stars). 2 submissions from 2 submitters: Uncertain significance (1); Likely benign (1). Last evaluated 2020-10-14.

Conditions:
Hereditary breast ovarian cancer syndrome. Also called: Hereditary breast and ovarian cancer syndrome; BRCA1- and BRCA2-Associated Hereditary Breast and Ovarian Cancer; Hereditary breast and ovarian cancer; Hereditary breast and/or ovarian cancer syndrome; Hereditary breast and ovarian cancer syndrome (HBOC); Breast and ovarian cancer. Identifiers: Orphanet 145, MedGen C0677776, MeSH D061325, MONDO:0003582. Disease mechanism: loss of function.

Allele frequency attached by ClinVar (database versions not stated): TOPMed below 0.00001.

Submissions (2):

Labcorp Genetics (formerly Invitae), Labcorp
Classification: Uncertain significance for Hereditary breast ovarian cancer syndrome. Last evaluated: 2020-10-14. Review status: criteria provided, single submitter. Criteria: Invitae Variant Classification Sherloc (09022015). Collection method: clinical testing. Allele origin: germline.
Comment: In summary, the available evidence is currently insufficient to determine the role of this variant in disease. Therefore, it has been classified as a Variant of Uncertain Significance. Experimental studies and prediction algorithms are not available or were not evaluated, and the functional significance of this variant is currently unknown. This variant has not been reported in the literature in individuals with BRCA2-related conditions. ClinVar contains an entry for this variant (Variation ID: 387446). The frequency data for this variant in the population databases is considered unreliable, as metrics indicate insufficient coverage at this position in the ExAC database. This variant occurs in a non-coding region of the BRCA2 gene. It does not change the encoded amino acid sequence of the BRCA2 protein.

GeneDx
Classification: Likely benign. Last evaluated: 2016-06-30. Review status: criteria provided, single submitter. Criteria: GeneDx Variant Classification (06012015). Collection method: clinical testing. Allele origin: germline. Affected: yes.
Comment: This variant is considered likely benign or benign based on one or more of the following criteria: it is a conservative change, it occurs at a poorly conserved position in the protein, it is predicted to be benign by multiple in silico algorithms, and/or has population frequency not consistent with disease.